The following is an entry in ClinVar:

NM_001048174.2(MUTYH):c.1523A>T (p.His508Leu)

Gene: MUTYH (mutY DNA glycosylase; minus strand). Cytogenetic location: 1p34.1.
Variant type: single nucleotide variant.
Coding change: c.1523A>T on transcript NM_001048174.2 (MANE Select); coding-DNA position 1523, A replaced by T.
Protein change: p.His508Leu; replaces histidine 508 with leucine.
Molecular consequence: missense variant. On other transcripts: non-coding transcript variant (7).
Genome position (GRCh38, 1-based): chr1:45,329,349, T>A on the plus strand (A>T on the coding strand, the complement: MUTYH is on the minus strand). VCF-style: chr1-45329349-T-A. GRCh37 (hg19) VCF-style: chr1-45795021-T-A.
Other names: c.1523A>T, p.His508Leu (NM_001048171.2, NM_001048173.2, NM_001407070.1 and 6 more transcripts); c.1526A>T, p.His509Leu (NM_001048172.2, NM_001407071.1, NM_001407078.1 and 1 more transcripts); c.1439A>T, p.His480Leu (NM_001407075.1); c.1556A>T, p.His519Leu (NM_001407077.1, NM_001293191.2, NM_001407069.1); c.1484A>T, p.His495Leu (NM_001407079.1); c.1481A>T, p.His494Leu (NM_001407080.1); c.1607A>T, p.His536Leu (NM_001128425.2); c.1568A>T, p.His523Leu (NM_001293190.2); and 5 more; short protein forms H494L, H416L, H508L, H515L, H519L, H533L, H536L, H393L.
Identifiers: ClinVar variation 4113433 (VCV004113433.1).
Genomic context (GRCh38, chr1:45,329,349, plus strand): 5'-GGGGGCTTTCAGAGGTGTCACTGGGCTGCACTGTTGAGGCTGTGTGCATCAGTGGAGATG[T>A]GAGACCGAAAGAAATTATCCAGGACTTGCTGGCCCATGCGGGGCTTTTTCCGACTGCACG-3'
Protein context (NP_001041639.1, residues 498-518): QQVLDNFFRS[His508Leu]ISTDAHSLNS

ClinVar aggregate classification (germline): Uncertain significance (1 of 4 stars; one submission).

Conditions:
Hereditary cancer-predisposing syndrome. Also called: Tumor predisposition; Neoplastic Syndromes, Hereditary; Hereditary neoplastic syndrome; Hereditary Cancer Syndrome. Identifiers: Orphanet 140162, MedGen C0027672, MeSH D009386, MONDO:0015356.

Submission:

Ambry Genetics
Classification: Uncertain significance for Hereditary cancer-predisposing syndrome. Last evaluated: 2025-08-27. Review status: criteria provided, single submitter. Criteria: Ambry Variant Classification Scheme 2023. Collection method: clinical testing. Allele origin: germline.
Comment: The p.H536L variant (also known as c.1607A>T), located in coding exon 16 of the MUTYH gene, results from an A to T substitution at nucleotide position 1607. The histidine at codon 536 is replaced by leucine, an amino acid with similar properties. This amino acid position is conserved. In addition, this alteration is predicted to be tolerated by in silico analysis. Based on the available evidence, the clinical significance of this variant remains unclear.